The following is an entry in ClinVar:

NM_000031.6(ALAD):c.414C>T (p.Asn138=)

Gene: ALAD (aminolevulinate dehydratase; minus strand). Cytogenetic location: 9q32.
Variant type: single nucleotide variant.
Coding change: c.414C>T on transcript NM_000031.6 (MANE Select); coding-DNA position 414, C replaced by T.
Protein change: p.Asn138=; no amino-acid change (asparagine 138 retained).
Molecular consequence: synonymous variant.
Genome position (GRCh38, 1-based): chr9:113,390,660, G>A on the plus strand (C>T on the coding strand, the complement: ALAD is on the minus strand). VCF-style: chr9-113390660-G-A. GRCh37 (hg19) VCF-style: chr9-116152940-G-A.
Other names: p.Asn138=; c.501C>T, p.Asn167= (NM_001003945.3); c.390C>T, p.Asn130= (NM_001317745.2).
Identifiers: ClinVar variation 364650 (VCV000364650.17), dbSNP rs2228083, ClinGen allele CA5196496.

ClinVar aggregate classification (germline): Benign. Review status: criteria provided, multiple submitters, no conflicts (2 of 4 stars). 5 submissions from 5 submitters: Benign (5). Last evaluated 2026-02-01.

Conditions:
Porphobilinogen synthase deficiency. Also called: ALAD DEFICIENCY; DELTA-AMINOLEVULINATE DEHYDRATASE DEFICIENCY; DOSS PORPHYRIA; PORPHYRIA, ALAD; Porphyria due to ALA dehydratase deficiency. Identifiers: Orphanet 100924, MedGen C0268328, MONDO:0013000, OMIM 612740.

Allele frequency attached by ClinVar (database versions not stated): 1000 Genomes Project 30x 0.07823; gnomAD exomes 0.07990 and 0.07460; ExAC 0.08077; TOPMed 0.07751; gnomAD 0.08127 and 0.08221; ESP Exome Variant Server 0.08204; 1000 Genomes Project 0.07867.

Submissions (5):

Labcorp Genetics (formerly Invitae), Labcorp
Classification: Benign. Last evaluated: 2026-02-01. Review status: criteria provided, single submitter. Criteria: Invitae Variant Classification Sherloc (09022015). Collection method: clinical testing. Allele origin: germline.

Mayo Clinic Laboratories, Mayo Clinic
Classification: Benign. Last evaluated: 2022-04-17. Review status: criteria provided, single submitter. Criteria: ACMG Guidelines, 2015. Collection method: clinical testing. Allele origin: germline. Observed: 93 variant alleles.

GeneDx
Classification: Benign. Last evaluated: 2021-06-09. Review status: criteria provided, single submitter. Criteria: GeneDx Variant Classification Process June 2021. Collection method: clinical testing. Allele origin: germline. Affected: yes.

Illumina Laboratory Services, Illumina
Classification: Benign for Porphobilinogen synthase deficiency. Last evaluated: 2018-01-12. Review status: criteria provided, single submitter. Criteria: ICSL Variant Classification Criteria 13 December 2019. Collection method: clinical testing. Allele origin: germline.
Comment: This variant was observed in the ICSL laboratory as part of a predisposition screen in an ostensibly healthy population. It had not been previously curated by ICSL or reported in the Human Gene Mutation Database (HGMD: prior to June 1st, 2018), and was therefore a candidate for classification through an automated scoring system. Utilizing variant allele frequency, disease prevalence and penetrance estimates, and inheritance mode, an automated score was calculated to assess if this variant is too frequent to cause the disease. Based on the score and internal cut-off values, a variant classified as benign is not then subjected to further curation. The score for this variant resulted in a classification of benign for this disease.

Breakthrough Genomics
Classification: Benign. Review status: criteria provided, single submitter. Criteria: ACMG Guidelines, 2015. Collection method: not provided. Allele origin: germline. Inheritance: Autosomal recessive inheritance. Affected: yes.